The following is an entry in ClinVar:

NC_000010.10:g.(?_85954517)_(86018395_?)dup

Genes: RGR (retinal G protein coupled receptor; plus strand), CDHR1 (cadherin related family member 1; plus strand), LRIT1 (leucine rich repeat, Ig-like and transmembrane domains 1; minus strand), LRIT2 (leucine rich repeat, Ig-like and transmembrane domains 2; minus strand). Cytogenetic location: 10q23.1.
Variant type: Duplication.
Identifiers: ClinVar variation 2427119 (VCV002427119.3).

ClinVar aggregate classification (germline): Uncertain significance (1 of 4 stars; one submission).

Submission:

Labcorp Genetics (formerly Invitae), Labcorp
Classification: Uncertain significance. Last evaluated: 2022-04-22. Review status: criteria provided, single submitter. Criteria: Invitae Variant Classification Sherloc (09022015). Collection method: clinical testing. Allele origin: germline.
Comment: A copy number gain of the genomic region encompassing the full coding sequence of the CDHR1 gene has been identified. The boundaries of this event are unknown as they extend beyond the assayed region for this gene and therefore may encompass additional genes. As the precise location of this event is unknown, it may be in tandem or it may be located elsewhere in the genome. This variant has not been reported in the literature in individuals affected with CDHR1-related conditions. Experimental studies and prediction algorithms are not available or were not evaluated, and the functional significance of this variant is currently unknown. In summary, the available evidence is currently insufficient to determine the role of this variant in disease. Therefore, it has been classified as a Variant of Uncertain Significance.